The following is an entry in ClinVar:

NM_016203.4(PRKAG2):c.893C>T (p.Ala298Val)

Gene: PRKAG2 (protein kinase AMP-activated non-catalytic subunit gamma 2; minus strand). Cytogenetic location: 7q36.1.
Variant type: single nucleotide variant.
Coding change: c.893C>T on transcript NM_016203.4 (MANE Select); coding-DNA position 893, C replaced by T.
Protein change: p.Ala298Val; replaces alanine 298 with valine.
Molecular consequence: missense variant.
Genome position (GRCh38, 1-based): chr7:151,576,424, G>A on the plus strand (C>T on the coding strand, the complement: PRKAG2 is on the minus strand). VCF-style: chr7-151576424-G-A. GRCh37 (hg19) VCF-style: chr7-151273510-G-A.
Other names: p.A298V:GCC>GTC; c.761C>T, p.Ala254Val (NM_001040633.2); c.518C>T, p.Ala173Val (NM_001304527.2); c.170C>T, p.Ala57Val (NM_001304531.2, NM_024429.2); c.521C>T, p.Ala174Val (NM_001363698.2); short protein forms A298V, A174V, A254V, A173V, A57V.
Identifiers: ClinVar variation 181474 (VCV000181474.6), dbSNP rs730880976, ClinGen allele CA014622.
Genomic context (GRCh38, chr7:151,576,424, plus strand): 5'-TGCTTACCTACAAAACTTTGTTTTTTACTCTCCCACAGTGGCGCTGCTCGGACACCGTTG[G>A]CTACCAAAGCAAAGAAGGCCTTTTTAACCTGAAGAAAAAGAGGAGAAACAAAACATACTT-3'
Protein context (NP_057287.2, residues 288-308): QVKKAFFALV[Ala298Val]NGVRAAPLWE

ClinVar aggregate classification (germline): Uncertain significance. Review status: criteria provided, multiple submitters, no conflicts (2 of 4 stars). 2 submissions from 2 submitters: Uncertain significance (2). Last evaluated 2025-12-15.

Conditions:
Lethal congenital glycogen storage disease of heart. Also called: GLYCOGEN STORAGE DISEASE OF HEART; PHOSPHORYLASE KINASE DEFICIENCY OF HEART. Identifiers: Orphanet 439854, MedGen C1849813, MONDO:0009867, OMIM 261740.

Submissions (2):

Labcorp Genetics (formerly Invitae), Labcorp
Classification: Uncertain significance for Lethal congenital glycogen storage disease of heart. Last evaluated: 2025-12-15. Review status: criteria provided, single submitter. Criteria: Invitae Variant Classification Sherloc (09022015). Collection method: clinical testing. Allele origin: germline.
Comment: This sequence change replaces alanine, which is neutral and non-polar, with valine, which is neutral and non-polar, at codon 298 of the PRKAG2 protein (p.Ala298Val). This variant is not present in population databases (gnomAD no frequency). This variant has not been reported in the literature in individuals affected with PRKAG2-related conditions. ClinVar contains an entry for this variant (Variation ID: 181474). Invitae Evidence Modeling of protein sequence and biophysical properties (such as structural, functional, and spatial information, amino acid conservation, physicochemical variation, residue mobility, and thermodynamic stability) has been performed for this missense variant. However, the output from this modeling did not meet the statistical confidence thresholds required to predict the impact of this variant on PRKAG2 protein function. In summary, the available evidence is currently insufficient to determine the role of this variant in disease. Therefore, it has been classified as a Variant of Uncertain Significance.

GeneDx
Classification: Uncertain significance. Last evaluated: 2014-03-07. Review status: criteria provided, single submitter. Criteria: GeneDx Variant Classification (06012015). Collection method: clinical testing. Allele origin: germline. Affected: yes.
Comment: p.Ala298Val (GCC>GTC): c.893 C>T in exon 7 of the PRKAG2 gene (NM_016203.3) A variant of unknown significance has been identified in the PRKAG2 gene. The A298V variant has not been published as a mutation, nor has it been reported as a benign polymorphism to our knowledge. The A298V variant was not observed in approximately 6,500 individuals of European and African American ancestry in the NHLBI Exome Sequencing Project, indicating it is not a common benign variant in these populations. However, the A298V variant is a conservative amino acid substitution, which is not likely to impact secondary protein structure as these residues share similar properties. Nevertheless, this substitution occurs at a position that is conserved across species. In silico analysis is inconsistent in its predictions as to whether or not the variant is damaging to the protein structure/function. A missense mutation in a nearby residue (R302Q) has been reported in association with WPW, supporting the functional importance of this region of the protein. Therefore, based on the currently available information, it is unclear whether this variant is a pathogenic mutation or a rare benign variant. The variant is found in HCM panel(s).